The following is an entry in ClinVar:

NM_000181.4(GUSB):c.2T>G (p.Met1Arg)

Gene: GUSB (glucuronidase beta; minus strand). Cytogenetic location: 7q11.21.
Variant type: single nucleotide variant.
Coding change: c.2T>G on transcript NM_000181.4 (MANE Select); coding-DNA position 2, T replaced by G.
Protein change: p.Met1Arg; changes the start codon (methionine 1).
Molecular consequence: missense variant, initiator codon variant. On other transcripts: 5 prime UTR variant (2), non-coding transcript variant (1).
Genome position (GRCh38, 1-based): chr7:65,982,182, A>C on the plus strand (T>G on the coding strand, the complement: GUSB is on the minus strand). VCF-style: chr7-65982182-A-C. GRCh37 (hg19) VCF-style: chr7-65447169-A-C.
Other names: c.2T>G, p.Met1Arg (NM_001284290.2); c.-384T>G (NM_001293104.2); c.-328T>G (NM_001293105.2); short protein forms M1R.
Identifiers: ClinVar variation 2671770 (VCV002671770.1), dbSNP rs1583955795, ClinGen allele CA367655810.
Genomic context (GRCh38, chr7:65,982,182, plus strand): 5'-AGCGCGCAGCCCCACAACAACGGCCCGAGCGCCGCCCAGGCAACCGCCGACCCCCGGGCC[A>C]TGCTTCCCGGTCCCCCGCTCGGCCACCGTCTGCGGCGCTAAGAAAAGCGCGGGAGGTGCC-3'
Protein context (NP_000172.2, residues 1-11): [Met1Arg]ARGSAVAWAA

ClinVar aggregate classification (germline): Likely pathogenic (1 of 4 stars; one submission).

Conditions:
Mucopolysaccharidosis type 7 (MPS7). Also called: BETA-GLUCURONIDASE DEFICIENCY; GUSB DEFICIENCY; SLY SYNDROME; MPS VII. Identifiers: Orphanet 584, MedGen C0085132, MONDO:0009662, OMIM 253220.

Allele frequency attached by ClinVar (database versions not stated): gnomAD exomes below 0.00001.

Submission:

Neuberg Centre For Genomic Medicine, NCGM
Classification: Likely pathogenic for Mucopolysaccharidosis type 7. Last evaluated: 2023-02-14. Review status: criteria provided, single submitter. Criteria: ACMG Guidelines, 2015. Collection method: clinical testing. Allele origin: germline. Inheritance: Autosomal recessive inheritance. Affected: yes.
Comment: The start lost c.2T>G(p.Met1?) variant in GUSB gene has not been reported previously as a pathogenic variant nor as a benign variant, to our knowledge. The p.Met1? variant is novel (not in any individuals) in gnomAD Exomes and 1000 Genomes. This variant has not been reported to the ClinVar database. The amino acid change p.Met1? in GUSB is predicted as conserved by GERP++ and PhyloP across 100 vertebrates. This variant is predicted to cause loss of normal protein function through protein truncation. Loss of function variants have been previously reported to be disease causing. For these reasons, this variant has been classified as Likely Pathogenic.